The following is an entry in ClinVar:

ClinVar aggregate classification (germline): Conflicting classifications of pathogenicity. Review status: criteria provided, conflicting classifications (1 of 4 stars). 3 submissions from 3 submitters: Likely pathogenic (1); Uncertain significance (2). Last evaluated 2025-10-02.

Conditions:
Age related macular degeneration 4. Identifiers: MedGen C1853147, MONDO:0012540, OMIM 610698.

Allele frequency attached by ClinVar (database versions not stated): gnomAD exomes below 0.00001.
gnomAD v4.1: 4 of 1,613,232 alleles (0.00025%); highest among the groups gnomAD compares: Middle Eastern, 0.017%; no homozygotes.

Submissions (3):

Genomenon, Inc
Classification: Likely pathogenic for Age related macular degeneration 4. Last evaluated: 2025-10-02. Review status: criteria provided, single submitter. Criteria: Genomenon Sequence Variant Interpretation Standards - Updated. Collection method: curation. Allele origin: germline. Affected: yes.
Comment: CFH p.Asp90Gly (c.269A>G) is a missense variant that changes the amino acid at residue 90 from Aspartic acid to Glycine. This variant has been observed in at least one proband affected with age-related macular degeneration (PMID:24847005). The variant was found to segregate with disease in at least one affected family (PMID:24847005). Functional studies have been reported (PMID:24847005;36445700). It is absent or not present at a significant frequency in gnomAD. In silico models agree that this variant is possibly or probably damaging. In conclusion, we classify CFH p.Asp90Gly (c.269A>G) as a likely pathogenic variant.

Labcorp Genetics (formerly Invitae), Labcorp
Classification: Uncertain significance. Last evaluated: 2025-03-17. Review status: criteria provided, single submitter. Criteria: Invitae Variant Classification Sherloc (09022015). Collection method: clinical testing. Allele origin: germline.
Comment: This sequence change replaces aspartic acid, which is acidic and polar, with glycine, which is neutral and non-polar, at codon 90 of the CFH protein (p.Asp90Gly). This variant is present in population databases (no rsID available, gnomAD 0.0009%). This missense change has been observed in individual(s) with age related macular degeneration (PMID: 24847005). ClinVar contains an entry for this variant (Variation ID: 2202896). An algorithm developed to predict the effect of missense changes on protein structure and function (PolyPhen-2) suggests that this variant is likely to be disruptive. Experimental studies are conflicting or provide insufficient evidence to determine the effect of this variant on CFH function (PMID: 36445700). Algorithms developed to predict the effect of sequence changes on RNA splicing suggest that this variant may create or strengthen a splice site. In summary, the available evidence is currently insufficient to determine the role of this variant in disease. Therefore, it has been classified as a Variant of Uncertain Significance.

Blueprint Genetics
Classification: Uncertain significance. Last evaluated: 2022-03-27. Review status: criteria provided, single submitter. Criteria: ACMG Guidelines, 2015. Collection method: clinical testing. Allele origin: germline.

Literature cited by the submitters: PubMed 24847005 (cited by Genomenon, Inc and Labcorp Genetics (formerly Invitae), Labcorp); PubMed 36445700 (cited by Genomenon, Inc and Labcorp Genetics (formerly Invitae), Labcorp).

NM_000186.4(CFH):c.269A>G (p.Asp90Gly)

Gene: CFH (complement factor H; plus strand). Cytogenetic location: 1q31.3.
Variant type: single nucleotide variant.
Coding change: c.269A>G on transcript NM_000186.4 (MANE Select); coding-DNA position 269, A replaced by G.
Protein change: p.Asp90Gly; replaces aspartic acid 90 with glycine.
Molecular consequence: missense variant.
Genome position (GRCh38, 1-based): chr1:196,673,881, A>G. VCF-style: chr1-196673881-A-G. GRCh37 (hg19) VCF-style: chr1-196643011-A-G.
Other names: c.269A>G, p.Asp90Gly (NM_001014975.3); short protein forms D90G.
Identifiers: ClinVar variation 2202896 (VCV002202896.6), dbSNP rs1239695899, ClinGen allele CA343976186.